The following is an entry in ClinVar:

NM_000051.4(ATM):c.2445T>G (p.Ile815Met)

Gene: ATM (ATM serine/threonine kinase; plus strand). Cytogenetic location: 11q22.3.
Variant type: single nucleotide variant.
Coding change: c.2445T>G on transcript NM_000051.4 (MANE Select); coding-DNA position 2445, T replaced by G.
Protein change: p.Ile815Met; replaces isoleucine 815 with methionine.
Molecular consequence: missense variant.
Genome position (GRCh38, 1-based): chr11:108,259,054, T>G. VCF-style: chr11-108259054-T-G. GRCh37 (hg19) VCF-style: chr11-108129781-T-G.
Other names: c.2445T>G, p.Ile815Met (NM_001351834.2); c.2445T>G (NM_000051.3); short protein forms I815M.
Identifiers: ClinVar variation 1018222 (VCV001018222.9), dbSNP rs2080699276, ClinGen allele CA382541344.

ClinVar aggregate classification (germline): Uncertain significance. Review status: criteria provided, multiple submitters, no conflicts (2 of 4 stars). 2 submissions from 2 submitters: Uncertain significance (2). Last evaluated 2024-06-23.

Conditions:
Ataxia-telangiectasia syndrome (AT). Also called: Cerebello-oculocutaneous telangiectasia; Immunodeficiency with ataxia telangiectasia; ATAXIA-TELANGIECTASIA, COMPLEMENTATION GROUP A; ATAXIA-TELANGIECTASIA, FRESNO VARIANT; LOUIS-BAR SYNDROME; Ataxia-telangiectasia, complementation group E. Identifiers: Orphanet 100, MedGen C0004135, MONDO:0008840, OMIM 208900.
Hereditary cancer-predisposing syndrome. Also called: Tumor predisposition; Hereditary Cancer Syndrome; Neoplastic Syndromes, Hereditary; Hereditary neoplastic syndrome. Identifiers: Orphanet 140162, MedGen C0027672, MeSH D009386, MONDO:0015356.

Submissions (2):

Ambry Genetics
Classification: Uncertain significance for Hereditary cancer-predisposing syndrome. Last evaluated: 2024-06-23. Review status: criteria provided, single submitter. Criteria: Ambry Variant Classification Scheme 2023. Collection method: clinical testing. Allele origin: germline.
Comment: The p.I815M variant (also known as c.2445T>G), located in coding exon 15 of the ATM gene, results from a T to G substitution at nucleotide position 2445. The isoleucine at codon 815 is replaced by methionine, an amino acid with highly similar properties. This amino acid position is conserved. In addition, this alteration is predicted to be tolerated by in silico analysis. Based on the available evidence, the clinical significance of this variant remains unclear.

Labcorp Genetics (formerly Invitae), Labcorp
Classification: Uncertain significance for Ataxia-telangiectasia syndrome. Last evaluated: 2020-04-13. Review status: criteria provided, single submitter. Criteria: Invitae Variant Classification Sherloc (09022015). Collection method: clinical testing. Allele origin: germline.
Comment: This sequence change replaces isoleucine with methionine at codon 815 of the ATM protein (p.Ile815Met). The isoleucine residue is weakly conserved and there is a small physicochemical difference between isoleucine and methionine. This variant is not present in population databases (ExAC no frequency). This variant has not been reported in the literature in individuals with ATM-related conditions. Algorithms developed to predict the effect of missense changes on protein structure and function are either unavailable or do not agree on the potential impact of this missense change (SIFT: "Tolerated"; PolyPhen-2: "Benign"; Align-GVGD: "Class C0"). In summary, the available evidence is currently insufficient to determine the role of this variant in disease. Therefore, it has been classified as a Variant of Uncertain Significance.